The following is an entry in ClinVar:

ClinVar aggregate classification (germline): Benign (1 of 4 stars; one submission).

Allele frequency attached by ClinVar (database versions not stated): gnomAD 0.00571.

Submission:

CeGaT Center for Human Genetics Tuebingen
Classification: Benign. Last evaluated: 2025-02-01. Review status: criteria provided, single submitter. Criteria: CeGaT Center For Human Genetics Tuebingen Variant Classification Criteria Version 2. Collection method: clinical testing. Allele origin: germline. Affected: yes. Observed: 7 variant alleles.
Comment: DSPP: PP3, BS1, BS2

NM_014208.3(DSPP):c.3357C>A (p.Asp1119Glu)

Genes: DMP1-AS1 (DMP1 and DSPP antisense RNA 1; minus strand), DSPP (dentin sialophosphoprotein; plus strand). Cytogenetic location: 4q22.1.
Variant type: single nucleotide variant.
Coding change: c.3357C>A on transcript NM_014208.3 (MANE Select); coding-DNA position 3357, C replaced by A.
Protein change: p.Asp1119Glu; replaces aspartic acid 1119 with glutamic acid.
Molecular consequence: missense variant.
Genome position (GRCh38, 1-based): chr4:87,616,019, C>A. VCF-style: chr4-87616019-C-A. GRCh37 (hg19) VCF-style: chr4-88537171-C-A.
Other names: short protein forms D1119E.
Identifiers: ClinVar variation 2654910 (VCV002654910.24), dbSNP rs867417190, ClinGen allele CA3001624.